The following is an entry in ClinVar:

ClinVar aggregate classification (germline): Likely benign (1 of 4 stars; one submission).

Conditions:
TUB-related disorder. Also called: TUB-related condition.

gnomAD v4.1: 2 of 1,614,082 alleles (0.00012%); highest among the groups gnomAD compares: Non-Finnish European, 0.00017%; no homozygotes.

Submission:

PreventionGenetics, part of Exact Sciences
Classification: Likely benign for TUB-related condition. Last evaluated: 2026-09-26. Review status: criteria provided, single submitter. Criteria: ACMG Guidelines, 2015. Collection method: clinical testing. Allele origin: germline.
Comment: This variant is classified as likely benign based on ACMG/AMP sequence variant interpretation guidelines (Richards et al. 2015 PMID: 25741868, with internal and published modifications).

NM_177972.3(TUB):c.615G>A (p.Glu205=)

Genes: RIC3 (RIC3 acetylcholine receptor chaperone; minus strand), TUB (TUB bipartite transcription factor; plus strand). Cytogenetic location: 11p15.4.
Variant type: single nucleotide variant.
Coding change: c.615G>A on transcript NM_177972.3 (MANE Select); coding-DNA position 615, G replaced by A.
Protein change: p.Glu205=; no amino-acid change (glutamic acid 205 retained).
Molecular consequence: synonymous variant.
Genome position (GRCh38, 1-based): chr11:8,096,734, G>A. VCF-style: chr11-8096734-G-A. GRCh37 (hg19) VCF-style: chr11-8118281-G-A.
Other names: c.633G>A, p.Glu211= (NM_001440538.1, NM_001440539.1); c.465G>A, p.Glu155= (NM_001440540.1, NM_001440542.1); c.447G>A, p.Glu149= (NM_001440541.1); c.780G>A, p.Glu260= (NM_003320.5).
Identifiers: ClinVar variation 5001183 (VCV005001183.1).